The following continues an entry in ClinVar:

NM_000122.2(ERCC3):c.325C>T (p.Arg109Ter)

Gene: ERCC3. ClinVar aggregate classification (germline): Pathogenic/Likely pathogenic. Pathogenic (10); Likely pathogenic (4).

Submissions 13 to 18 of 18:

Victorian Clinical Genetics Services, Murdoch Childrens Research Institute
Classification: Pathogenic for Xeroderma pigmentosum group B. Last evaluated: 2020-05-01. Review status: criteria provided, single submitter. Criteria: ACMG Guidelines, 2015. Collection method: clinical testing. Allele origin: germline. Inheritance: Autosomal recessive inheritance. Affected: no.
Comment: Based on the classification scheme VCGS_Germline_v1.1.1, this variant is classified as Pathogenic. Following criteria are met: 0102 - Loss-of-function is a known mechanism of disease for this gene. (N) 0106 - This gene is known to be associated with autosomal recessive disease. (N) 0201 - Variant is predicted to cause nonsense-mediated decay (NMD) and loss of protein (exon 3 of 15). (P) 0251 - Variant is heterozygous. (N) 0304 - Variant is present in gnomAD <0.01 for a recessive condition (139 heterozygotes, 0 homozygotes). (P) 0507 - Identified variant type is not compatible with in silico predictions of pathogenicity. (N) 0702 - Comparable variants have strong previous evidence for pathogenicity (Oh, K. et al. (2006); ClinVar). (P) 0803 - Low previous evidence of pathogenicity in unrelated individuals (Calmels, N. et al. (2016); ClinVar). (P) 1001 - Strong functional evidence supporting abnormal protein function (Calmels, N. et al. (2016); Vijai, J. et al. (2016)). (P) 1208 - Inheritance information for this variant is not currently available. (N) Legend: (P) - Pathogenic, (N) - Neutral, (B) – Benign

Mendelics
Classification: Pathogenic for Xeroderma pigmentosum group B. Last evaluated: 2019-05-28. Review status: criteria provided, single submitter. Criteria: Mendelics Assertion Criteria 2017. Collection method: clinical testing. Allele origin: unknown.

PreventionGenetics, part of Exact Sciences
Classification: Likely pathogenic for ERCC3-related condition. Last evaluated: 2024-08-29. Review status: no assertion criteria provided. Collection method: clinical testing. Allele origin: germline. Not counted in ClinVar's aggregate classification.
Comment: The ERCC3 c.325C>T variant is predicted to result in premature protein termination (p.Arg109*). This variant has been reported in an individual affected with breast and skin cancer (Foley et al. 2015. PubMed ID: 26023681) and in an individual with colorectal cancer (supplementary data, AlDubayan et al. 2018. PubMed ID: 29478780). This variant was identified from whole exome sequencing in individuals with a high risk of breast and ovarian cancer and was classified as likely pathogenic (Table S4, Maxwell et al. 2016. PubMed ID: 27153395). Additionally, this variant has been observed repeatedly in Ashkenazi Jewish individuals affected with breast cancer who had negative BRCA testing. In the same report, this variant showed a reduction in protein expression in ERCC3 deficient cell lines as well as hypomorphic functionality and is therefore considered a risk allele for breast cancer in the Ashkenazi Jewish population (Vijai et al. 2016. PubMed ID: 27655433). This variant is classified in ClinVar as likely pathogenic. This variant is reported in 0.92% of alleles in individuals of Ashkenazi Jewish descent in gnomAD. Nonsense variants in ERCC3 are expected to be pathogenic. This variant is interpreted as likely pathogenic.

Reproductive Health Research and Development, BGI Genomics
Classification: Likely pathogenic for Xeroderma pigmentosum group B. Last evaluated: 2020-01-06. Review status: no assertion criteria provided. Collection method: curation. Allele origin: germline. Not counted in ClinVar's aggregate classification.
Comment: NM_000122.1:c.325C>T in the ERCC3 gene has an allele frequency of 0.009 in Ashkenazi Jewish subpopulation in the gnomAD database. This variant is present on the biological trascript and predicted to undergo nonsense-mediated mRNA decay. Taken together, we interprete this variant as Pathogenic/Likely pathogenic. ACMG/AMP Criteria applied: PVS1, PM2.

Diagnostic Laboratory, Department of Genetics, University Medical Center Groningen
Classification: Pathogenic. Review status: no assertion criteria provided. Collection method: clinical testing. Allele origin: germline. Affected: yes. Study: VKGL Data-share Consensus. Not counted in ClinVar's aggregate classification.

Genome Diagnostics Laboratory, University Medical Center Utrecht
Classification: Pathogenic. Review status: no assertion criteria provided. Collection method: clinical testing. Allele origin: germline. Affected: yes. Study: VKGL Data-share Consensus. Not counted in ClinVar's aggregate classification.

Literature cited by the submitters: PubMed 16947863 (cited by Labcorp Genetics (formerly Invitae), Labcorp and Victorian Clinical Genetics Services, Murdoch Childrens Research Institute); PubMed 26023681 (cited by 3 submitters); PubMed 27004399 (cited by 4 submitters); PubMed 27655433 (cited by 4 submitters); PubMed 30580288 (cited by Dasa); PubMed 30787465 (cited by Dasa and Women's Health and Genetics/Laboratory Corporation of America, LabCorp); PubMed 31794323 (cited by Dasa); PubMed 27153395 (cited by Women's Health and Genetics/Laboratory Corporation of America, LabCorp); PubMed 27356891 (cited by Women's Health and Genetics/Laboratory Corporation of America, LabCorp); PubMed 29478780 (cited by Women's Health and Genetics/Laboratory Corporation of America, LabCorp); PubMed 28873162 (cited by Department of Pediatrics, Memorial Sloan Kettering Cancer Center).